The following is an entry in ClinVar:

NM_015215.4(CAMTA1):c.2424C>T (p.Asp808=)

Gene: CAMTA1 (calmodulin binding transcription activator 1; plus strand). Cytogenetic location: 1p36.23.
Variant type: single nucleotide variant.
Coding change: c.2424C>T on transcript NM_015215.4 (MANE Select); coding-DNA position 2424, C replaced by T.
Protein change: p.Asp808=; no amino-acid change (aspartic acid 808 retained).
Molecular consequence: synonymous variant.
Genome position (GRCh38, 1-based): chr1:7,664,971, C>T. VCF-style: chr1-7664971-C-T. GRCh37 (hg19) VCF-style: chr1-7725031-C-T.
Other names: c.2334C>T, p.Asp778= (NM_001349608.2, NM_001349612.2); c.2424C>T, p.Asp808= (NM_001349609.2, NM_001349610.2, NM_001410737.1); c.2352C>T, p.Asp784= (NM_001410738.1).
Identifiers: ClinVar variation 2064333 (VCV002064333.26), dbSNP rs375038855, ClinGen allele CA566636.

ClinVar aggregate classification (germline): Likely benign. Review status: criteria provided, multiple submitters, no conflicts (2 of 4 stars). 2 submissions from 2 submitters: Likely benign (2). Last evaluated 2025-08-01.

Allele frequency attached by ClinVar (database versions not stated): ESP Exome Variant Server 0.00008; gnomAD 0.00008; ExAC 0.00012; TOPMed 0.00004; gnomAD exomes 0.00005.
gnomAD v4.1: 78 of 1,611,354 alleles (0.0048%); highest among the groups gnomAD compares: South Asian, 0.039%; 1 homozygote.

Submissions (2):

CeGaT Center for Human Genetics Tuebingen
Classification: Likely benign. Last evaluated: 2025-08-01. Review status: criteria provided, single submitter. Criteria: CeGaT Center For Human Genetics Tuebingen Variant Classification Criteria Version 2. Collection method: clinical testing. Allele origin: germline. Affected: yes. Observed: 2 variant alleles.
Comment: CAMTA1: BP4, BP7

Labcorp Genetics (formerly Invitae), Labcorp
Classification: Likely benign. Last evaluated: 2025-04-28. Review status: criteria provided, single submitter. Criteria: Invitae Variant Classification Sherloc (09022015). Collection method: clinical testing. Allele origin: germline.